The following is an entry in ClinVar:

ClinVar aggregate classification (germline): Uncertain significance. Review status: criteria provided, multiple submitters, no conflicts (2 of 4 stars). 3 submissions from 3 submitters: Uncertain significance (3). Last evaluated 2023-04-11.

Conditions:
Lissencephaly 9 with complex brainstem malformation. Identifiers: Orphanet 572013, MedGen C5193029, MONDO:0032677, OMIM 618325.

Allele frequency attached by ClinVar (database versions not stated): gnomAD 0.00001; TOPMed 0.00001; ExAC 0.00003; gnomAD exomes 0.00004.
gnomAD v4.1: 16 of 1,613,936 alleles (0.00099%); highest among the groups gnomAD compares: Admixed American, 0.015%; no homozygotes.

Submissions (3):

Genome-Nilou Lab
Classification: Uncertain significance for Lissencephaly 9 with complex brainstem malformation. Last evaluated: 2023-04-11. Review status: criteria provided, single submitter. Criteria: ACMG Guidelines, 2015. Collection method: clinical testing. Allele origin: germline. Affected: no.

Labcorp Genetics (formerly Invitae), Labcorp
Classification: Uncertain significance. Last evaluated: 2022-10-18. Review status: criteria provided, single submitter. Criteria: Invitae Variant Classification Sherloc (09022015). Collection method: clinical testing. Allele origin: germline.
Comment: In summary, the available evidence is currently insufficient to determine the role of this variant in disease. Therefore, it has been classified as a Variant of Uncertain Significance. Algorithms developed to predict the effect of missense changes on protein structure and function are either unavailable or do not agree on the potential impact of this missense change (SIFT: "Deleterious"; PolyPhen-2: "Probably Damaging"; Align-GVGD: "Class C0"). ClinVar contains an entry for this variant (Variation ID: 1313773). This variant has not been reported in the literature in individuals affected with MACF1-related conditions. This variant is present in population databases (rs776122438, gnomAD 0.01%). This sequence change replaces arginine, which is basic and polar, with tryptophan, which is neutral and slightly polar, at codon 4946 of the MACF1 protein (p.Arg4946Trp).

GeneDx
Classification: Uncertain significance. Last evaluated: 2020-02-06. Review status: criteria provided, single submitter. Criteria: GeneDx Variant Classification Process June 2021. Collection method: clinical testing. Allele origin: germline. Affected: yes.
Comment: In silico analysis supports that this missense variant has a deleterious effect on protein structure/function; Variants in candidate genes are classified as variants of uncertain significance in accordance with ACMG guidelines (Richards et al., 2015); Has not been previously published as pathogenic or benign to our knowledge

NM_001394062.1(MACF1):c.21013C>T (p.Arg7005Trp)

Gene: MACF1 (microtubule actin crosslinking factor 1; plus strand). Cytogenetic location: 1p34.3.
Variant type: single nucleotide variant.
Coding change: c.21013C>T on transcript NM_001394062.1 (MANE Select); coding-DNA position 21013, C replaced by T.
Protein change: p.Arg7005Trp; replaces arginine 7005 with tryptophan.
Molecular consequence: missense variant.
Genome position (GRCh38, 1-based): chr1:39,455,035, C>T. VCF-style: chr1-39455035-C-T. GRCh37 (hg19) VCF-style: chr1-39920707-C-T.
Other names: c.14836C>T, p.Arg4946Trp (NM_012090.5); short protein forms R4946W, R7005W.
Identifiers: ClinVar variation 1313773 (VCV001313773.7), dbSNP rs776122438, ClinGen allele CA784525.
Genomic context (GRCh38, chr1:39,455,035, plus strand): 5'-GCTGAGCTCCTGGAAGAACTTCTGGCATGGATCCAGTGGGCTGAGACCACCCTCATTCAG[C>T]GGGATCAGGAGCCAATCCCGCAGAACATTGACCGAGTTAAAGCCCTTATCGCTGAGCATC-3'
Protein context (NP_001380991.1, residues 6995-7015): IQWAETTLIQ[Arg7005Trp]DQEPIPQNID